The following is an entry in ClinVar:

NC_000010.10:g.(?_12123451)_(12133703_?)del

Gene: DHTKD1 (dehydrogenase E1 and transketolase domain containing 1; plus strand). Cytogenetic location: 10p14.
Variant type: Deletion.
Identifiers: ClinVar variation 3244854 (VCV003244854.1).

ClinVar aggregate classification (germline): Uncertain significance (1 of 4 stars; one submission).

Conditions:
2-aminoadipic 2-oxoadipic aciduria (AAKAD). Also called: Aminoadipic aciduria; ALPHA-AMINOADIPIC AND ALPHA-KETOADIPIC ACIDURIA. Identifiers: Orphanet 79154, MedGen C1859817, MONDO:0008774, OMIM 204750.

Submission:

Labcorp Genetics (formerly Invitae), Labcorp
Classification: Uncertain significance for 2-aminoadipic 2-oxoadipic aciduria. Last evaluated: 2023-09-08. Review status: criteria provided, single submitter. Criteria: Invitae Variant Classification Sherloc (09022015). Collection method: clinical testing. Allele origin: unknown.
Comment: In summary, the available evidence is currently insufficient to determine the role of this variant in disease. Therefore, it has been classified as a Variant of Uncertain Significance. This variant is a gross deletion of the genomic region encompassing exon(s) 2-6 of the DHTKD1 gene. This variant would be expected to be in-frame, preserving the integrity of the reading frame. This variant has not been reported in the literature in individuals affected with DHTKD1-related conditions. This variant disrupts a region of the DHTKD1 protein in which other variant(s) (p.Gln305His) have been observed in individuals with DHTKD1-related conditions (PMID: 26141459). This suggests that this is a clinically significant region of the protein, and that variants that disrupt it are likely to be disease-causing.

Literature cited by the submitters: PubMed 26141459.